The following is an entry in ClinVar:

NM_002582.4(PARN):c.18C>G (p.Ser6Arg)

Gene: PARN (poly(A)-specific ribonuclease; minus strand). Cytogenetic location: 16p13.12.
Variant type: single nucleotide variant.
Coding change: c.18C>G on transcript NM_002582.4 (MANE Select); coding-DNA position 18, C replaced by G.
Protein change: p.Ser6Arg; replaces serine 6 with arginine.
Molecular consequence: missense variant. On other transcripts: intron variant (1).
Genome position (GRCh38, 1-based): chr16:14,630,108, G>C on the plus strand (C>G on the coding strand, the complement: PARN is on the minus strand). VCF-style: chr16-14630108-G-C. GRCh37 (hg19) VCF-style: chr16-14723965-G-C.
Other names: c.18C>G (NM_002582.3); c.18C>G, p.Ser6Arg (NM_001242992.2); c.-165+82C>G (NM_001134477.3); short protein forms S6R.
Identifiers: ClinVar variation 3762137 (VCV003762137.3).

ClinVar aggregate classification (germline): Uncertain significance. Review status: criteria provided, multiple submitters, no conflicts (2 of 4 stars). 2 submissions from 2 submitters: Uncertain significance (2). Last evaluated 2025-11-08.

Conditions:
Dyskeratosis congenita, autosomal recessive 6 (DKCB6). Identifiers: MedGen C4225356, MONDO:0014600, OMIM 616353.
Pulmonary fibrosis and/or bone marrow failure, Telomere-related, 4. Also called: PULMONARY FIBROSIS AND/OR BONE MARROW FAILURE SYNDROME, TELOMERE-RELATED, 4. Identifiers: Orphanet 2032, MedGen C4225347, MONDO:0014612, OMIM 616371.
Inborn genetic diseases. Identifiers: MedGen C0950123, MeSH D030342.

gnomAD v4.1: 9 of 1,561,364 alleles (0.00058%); highest among the groups gnomAD compares: Non-Finnish European, 0.00078%; no homozygotes.

Submissions (2):

Ambry Genetics
Classification: Uncertain significance for Inborn genetic diseases. Last evaluated: 2025-11-08. Review status: criteria provided, single submitter. Criteria: Ambry Variant Classification Scheme 2023. Collection method: clinical testing. Allele origin: germline.

Labcorp Genetics (formerly Invitae), Labcorp
Classification: Uncertain significance for Dyskeratosis congenita, autosomal recessive 6; Pulmonary fibrosis and/or bone marrow failure, Telomere-related, 4. Last evaluated: 2024-06-11. Review status: criteria provided, single submitter. Criteria: Invitae Variant Classification Sherloc (09022015). Collection method: clinical testing. Allele origin: germline.
Comment: This sequence change replaces serine, which is neutral and polar, with arginine, which is basic and polar, at codon 6 of the PARN protein (p.Ser6Arg). This variant is present in population databases (no rsID available, gnomAD 0.003%). This variant has not been reported in the literature in individuals affected with PARN-related conditions. Advanced modeling of protein sequence and biophysical properties (such as structural, functional, and spatial information, amino acid conservation, physicochemical variation, residue mobility, and thermodynamic stability) performed at Invitae indicates that this missense variant is not expected to disrupt PARN protein function with a negative predictive value of 80%. In summary, the available evidence is currently insufficient to determine the role of this variant in disease. Therefore, it has been classified as a Variant of Uncertain Significance.